The following is an entry in ClinVar:

NM_130849.4(SLC39A4):c.1070_1071insGC (p.His358fs)

Gene: SLC39A4 (solute carrier family 39 member 4; minus strand). Cytogenetic location: 8q24.3.
Variant type: Insertion.
Coding change: c.1070_1071insGC on transcript NM_130849.4 (MANE Select); coding-DNA positions 1070 to 1071, GC inserted.
Protein change: p.His358fs; shifts the reading frame from histidine 358.
Molecular consequence: frameshift variant.
Genome position: GRCh38 VCF-style: chr8-144414340-G-GGC. GRCh37 (hg19) VCF-style: chr8-145639724-G-GGC.
Other names: c.788_789insGC, p.His264fs (NM_001374839.1); c.995_996insGC, p.His333fs (NM_017767.3); short protein forms H264fs, H333fs, H358fs.
Identifiers: ClinVar variation 4816449 (VCV004816449.1).
Genomic context (GRCh38, chr8:144,414,340, plus strand): 5'-GACAGCGTCCCCAGTGACTGCACCCACTGCCAGGCTCAGGAAGGTCTGCAGGATGTAGTG[G>GGC]GTGACCCCCCTGCAGCCAGTGCAGGTCAGCAGCAGGAGGCCAAAGACCGCGCAGAGGCAG-3'

ClinVar aggregate classification (germline): Likely pathogenic (1 of 4 stars; one submission).

Conditions:
Hereditary acrodermatitis enteropathica (AEZ). Also called: Acrodermatitis enteropathica. Identifiers: Orphanet 37, MedGen C0221036, MONDO:0008713, OMIM 201100.

Submission:

Natera, Inc.
Classification: Likely pathogenic for Acrodermatitis enteropathica. Last evaluated: 2024-04-04. Review status: criteria provided, single submitter. Criteria: Natera Variant Classification Schema (03/2026). Collection method: clinical testing. Allele origin: germline.
Comment: The c.1070_1071insGC variant in SLC39A4 is a frameshift variant predicted to shift the reading frame beginning at codon 358 and leads to a stop codon 9 codons downstream. This variant is expected to result in nonsense mediated decay, truncation, or a dysfunctional protein product. This variant is rare in the general population with a frequency below the threshold expected for the associated phenotype(s). Given the available evidence, this variant is classified as Likely Pathogenic.